The following is an entry in ClinVar:

ClinVar aggregate classification (germline): Likely pathogenic (1 of 4 stars; one submission).

Submission:

GeneDx
Classification: Likely pathogenic. Last evaluated: 2025-07-30. Review status: criteria provided, single submitter. Criteria: GeneDx Variant Classification Process June 2021. Collection method: clinical testing. Allele origin: germline.
Comment: Not observed at significant frequency in large population cohorts (gnomAD); Has not been previously published as pathogenic or benign to our knowledge; Canonical splice site variant predicted to result in a null allele in a gene for which loss of function is a known mechanism of disease.

NM_001079843.3(CASZ1):c.1839-2A>C

Gene: CASZ1 (castor zinc finger 1; minus strand). Cytogenetic location: 1p36.22.
Variant type: single nucleotide variant.
Coding change: c.1839-2A>C on transcript NM_001079843.3 (MANE Select); the canonical splice acceptor site of the intron before coding-DNA position 1839, A replaced by C.
Molecular consequence: splice acceptor variant.
Genome position (GRCh38, 1-based): chr1:10,654,220, T>G on the plus strand (A>C on the coding strand, the complement: CASZ1 is on the minus strand). VCF-style: chr1-10654220-T-G. GRCh37 (hg19) VCF-style: chr1-10714277-T-G.
Other names: c.1839-2A>C (NM_017766.5).
Identifiers: ClinVar variation 3342597 (VCV003342597.2).